The following is an entry in ClinVar:

ClinVar aggregate classification (germline): Uncertain significance. Review status: criteria provided, multiple submitters, no conflicts (2 of 4 stars). 2 submissions from 2 submitters: Uncertain significance (2). Last evaluated 2024-10-17.

Conditions:
Autosomal dominant Parkinson disease 8. Also called: Parkinson disease 8, susceptibility to; LRRK2-Related Parkinson Disease; Parkinson disease 8. Identifiers: Orphanet 411602, MedGen C1846862, MONDO:0011764, OMIM 607060.
Inborn genetic diseases. Identifiers: MedGen C0950123, MeSH D030342.

Allele frequency attached by ClinVar (database versions not stated): gnomAD exomes below 0.00001; TOPMed below 0.00001.
gnomAD v4.1: 1 of 1,614,000 alleles (0.000062%); highest among the groups gnomAD compares: Non-Finnish European, 0.000085%; no homozygotes.

Submissions (2):

Ambry Genetics
Classification: Uncertain significance for Inborn genetic diseases. Last evaluated: 2024-10-17. Review status: criteria provided, single submitter. Criteria: Ambry Variant Classification Scheme 2023. Collection method: clinical testing. Allele origin: germline.
Comment: The p.M72V variant (also known as c.214A>G), located in coding exon 2 of the LRRK2 gene, results from an A to G substitution at nucleotide position 214. The methionine at codon 72 is replaced by valine, an amino acid with highly similar properties. This amino acid position is conserved. In addition, this alteration is predicted to be tolerated by in silico analysis. Since supporting evidence is limited at this time, the clinical significance of this alteration remains unclear.

Labcorp Genetics (formerly Invitae), Labcorp
Classification: Uncertain significance for Autosomal dominant Parkinson disease 8. Last evaluated: 2022-11-08. Review status: criteria provided, single submitter. Criteria: Invitae Variant Classification Sherloc (09022015). Collection method: clinical testing. Allele origin: germline.
Comment: Algorithms developed to predict the effect of missense changes on protein structure and function output the following: SIFT: "Tolerated"; PolyPhen-2: "Benign"; Align-GVGD: "Class C0". The valine amino acid residue is found in multiple mammalian species, which suggests that this missense change does not adversely affect protein function. In summary, the available evidence is currently insufficient to determine the role of this variant in disease. Therefore, it has been classified as a Variant of Uncertain Significance. This variant has not been reported in the literature in individuals affected with LRRK2-related conditions. This variant is not present in population databases (gnomAD no frequency). This sequence change replaces methionine, which is neutral and non-polar, with valine, which is neutral and non-polar, at codon 72 of the LRRK2 protein (p.Met72Val).

NM_198578.4(LRRK2):c.214A>G (p.Met72Val)

Gene: LRRK2 (leucine rich repeat kinase 2; plus strand). Cytogenetic location: 12q12.
Variant type: single nucleotide variant.
Coding change: c.214A>G on transcript NM_198578.4 (MANE Select); coding-DNA position 214, A replaced by G.
Protein change: p.Met72Val; replaces methionine 72 with valine.
Molecular consequence: missense variant.
Genome position (GRCh38, 1-based): chr12:40,225,617, A>G. VCF-style: chr12-40225617-A-G. GRCh37 (hg19) VCF-style: chr12-40619419-A-G.
Other names: short protein forms M72V.
Identifiers: ClinVar variation 1786703 (VCV001786703.8), dbSNP rs1940833888, ClinGen allele CA384399367.